The following is an entry in ClinVar:

ClinVar aggregate classification (germline): Uncertain significance (1 of 4 stars; one submission).

Submission:

Women's Health and Genetics/Laboratory Corporation of America, LabCorp
Classification: Uncertain significance. Last evaluated: 2024-11-15. Review status: criteria provided, single submitter. Criteria: LabCorp Variant Classification Summary - May 2015. Collection method: clinical testing. Allele origin: germline.
Comment: Variant summary: CYP1B1 c.1322A>G (p.Asp441Gly) results in a non-conservative amino acid change located in the Cytochrome P450 domain (IPR001128) of the encoded protein sequence. Five of five in-silico tools predict a damaging effect of the variant on protein function. The variant was absent in 251444 control chromosomes. The available data on variant occurrences in the general population are insufficient to allow any conclusion about variant significance. c.1322A>G has been reported in the literature in cis with a pathogenic variant on 1 allele and individually heterozygous on the other allele in at least 1 individual affected with Primary Congenital Glaucoma (example, Abu-Amero_CYP1B1_MV_2011). These data do not allow any conclusion about variant significance. To our knowledge, no experimental evidence demonstrating an impact on protein function has been reported. The following publication has been ascertained in the context of this evaluation (PMID: 22128238). No submitters have cited clinical-significance assessments for this variant to ClinVar. Based on the evidence outlined above, the variant was classified as uncertain significance.

Literature cited by the submitters: PubMed 22128238.

NM_000104.4(CYP1B1):c.1322A>G (p.Asp441Gly)

Genes: CYP1B1 (cytochrome P450 family 1 subfamily B member 1; minus strand), LOC128772254 (melanoma risk locus-associated MPRA allelic enhancer 2:38298139; plus strand). Cytogenetic location: 2p22.2.
Variant type: single nucleotide variant.
Coding change: c.1322A>G on transcript NM_000104.4 (MANE Select); coding-DNA position 1322, A replaced by G.
Protein change: p.Asp441Gly; replaces aspartic acid 441 with glycine.
Molecular consequence: missense variant.
Genome position (GRCh38, 1-based): chr2:38,071,032, T>C on the plus strand (A>G on the coding strand, the complement: CYP1B1 is on the minus strand). VCF-style: chr2-38071032-T-C. GRCh37 (hg19) VCF-style: chr2-38298175-T-C.
Other names: short protein forms D441G.
Identifiers: ClinVar variation 3629619 (VCV003629619.1).